The following is an entry in ClinVar:

ClinVar aggregate classification (germline): Benign/Likely benign. Review status: criteria provided, multiple submitters, no conflicts (2 of 4 stars). 4 submissions from 4 submitters: Benign (1); Likely benign (2). 1 of the submissions does not count toward it. Last evaluated 2026-01-22.

Conditions:
SGSH-related disorder. Also called: SGSH-related condition.
Mucopolysaccharidosis, MPS-III-A (MPS3A). Also called: MUCOPOLYSACCHARIDOSIS, TYPE IIIA, ATTENUATED; HEPARAN SULFATE SULFATASE DEFICIENCY; SANFILIPPO SYNDROME A; SULFAMIDASE DEFICIENCY; Mucopolysaccharidosis, type IIIA; MPS III A. Identifiers: Orphanet 581, Orphanet 79269, MedGen C0086647, MONDO:0009655, OMIM 252900.

Allele frequency attached by ClinVar (database versions not stated): 1000 Genomes Project 30x 0.00078; TOPMed 0.00082; gnomAD exomes 0.00022; ESP Exome Variant Server 0.00077; gnomAD 0.00086 and 0.00088; ExAC 0.00021; 1000 Genomes Project 0.00080.
gnomAD v4.1: 286 of 1,612,318 alleles (0.018%); highest among the groups gnomAD compares: African/African-American, 0.32%; no homozygotes.

Submissions (4):

Labcorp Genetics (formerly Invitae), Labcorp
Classification: Benign for Mucopolysaccharidosis, MPS-III-A. Last evaluated: 2026-01-22. Review status: criteria provided, single submitter. Criteria: Invitae Variant Classification Sherloc (09022015). Collection method: clinical testing. Allele origin: germline.

PreventionGenetics, part of Exact Sciences
Classification: Likely benign for SGSH-related condition. Last evaluated: 2025-09-24. Review status: criteria provided, single submitter. Criteria: ACMG Guidelines, 2015. Collection method: clinical testing. Allele origin: germline.
Comment: This variant is classified as likely benign based on ACMG/AMP sequence variant interpretation guidelines (Richards et al. 2015 PMID: 25741868, with internal and published modifications).

Blueprint Genetics
Classification: Likely benign. Last evaluated: 2022-10-28. Review status: criteria provided, single submitter. Criteria: ACMG Guidelines, 2015. Collection method: clinical testing. Allele origin: germline.

Natera, Inc.
Classification: Uncertain significance for Mucopolysaccharidosis type IIIA. Last evaluated: 2020-02-13. Review status: no assertion criteria provided. Collection method: clinical testing. Allele origin: germline. Not counted in ClinVar's aggregate classification.

NM_000199.5(SGSH):c.303C>T (p.Phe101=)

Gene: SGSH (N-sulfoglucosamine sulfohydrolase; minus strand). Cytogenetic location: 17q25.3.
Variant type: single nucleotide variant.
Coding change: c.303C>T on transcript NM_000199.5 (MANE Select); coding-DNA position 303, C replaced by T.
Protein change: p.Phe101=; no amino-acid change (phenylalanine 101 retained).
Molecular consequence: synonymous variant.
Genome position (GRCh38, 1-based): chr17:80,215,085, G>A on the plus strand (C>T on the coding strand, the complement: SGSH is on the minus strand). VCF-style: chr17-80215085-G-A. GRCh37 (hg19) VCF-style: chr17-78188884-G-A.
Other names: c.303C>T, p.Phe101= (NM_001352921.3, NM_001352922.2).
Identifiers: ClinVar variation 711693 (VCV000711693.14), dbSNP rs150482611, ClinGen allele CA8818092.